The following is an entry in ClinVar:

ClinVar aggregate classification (germline): Likely pathogenic (1 of 4 stars; one submission).

Conditions:
Cardiovascular phenotype. Identifiers: MedGen CN230736.

Submission:

Ambry Genetics
Classification: Likely pathogenic for Cardiovascular phenotype. Last evaluated: 2023-11-20. Review status: criteria provided, single submitter. Criteria: Ambry Variant Classification Scheme 2023. Collection method: clinical testing. Allele origin: germline.
Comment: The c.1457+2T>G intronic variant results from a T to G substitution two nucleotides after coding exon 16 in the MYBPC3 gene. This alteration has been reported in a hypertrophy cardiomyopathy (HCM) genetic testing cohort (Hathaway J et al. BMC Cardiovasc Disord, 2021 Mar;21:126). This variant is considered to be rare based on population cohorts in the Genome Aggregation Database (gnomAD). This nucleotide position is highly conserved in available vertebrate species. In silico splice site analysis predicts that this alteration will weaken the native splice donor site. In addition to the clinical data presented in the literature, alterations that disrupt the canonical splice site are expected to cause aberrant splicing, resulting in an abnormal protein or a transcript that is subject to nonsense-mediated mRNA decay. Based on the majority of available evidence to date, this variant is likely to be pathogenic.

Literature cited by the submitters: PubMed 33673806.

NM_000256.3(MYBPC3):c.1457+2T>G

Gene: MYBPC3 (myosin binding protein C3; minus strand). Cytogenetic location: 11p11.2.
Variant type: single nucleotide variant.
Coding change: c.1457+2T>G on transcript NM_000256.3 (MANE Select); the canonical splice donor site of the intron after coding-DNA position 1457, T replaced by G.
Molecular consequence: splice donor variant.
Genome position (GRCh38, 1-based): chr11:47,342,828, A>C on the plus strand (T>G on the coding strand, the complement: MYBPC3 is on the minus strand). VCF-style: chr11-47342828-A-C. GRCh37 (hg19) VCF-style: chr11-47364379-A-C.
Identifiers: ClinVar variation 636562 (VCV000636562.2), dbSNP rs112999777, ClinGen allele CA380325394.